The following is an entry in ClinVar:

NM_003801.4(GPAA1):c.1761G>C (p.Gln587His)

Gene: GPAA1 (glycosylphosphatidylinositol anchor attachment 1; plus strand). Cytogenetic location: 8q24.3.
Variant type: single nucleotide variant.
Coding change: c.1761G>C on transcript NM_003801.4 (MANE Select); coding-DNA position 1761, G replaced by C.
Protein change: p.Gln587His; replaces glutamine 587 with histidine.
Molecular consequence: missense variant.
Genome position (GRCh38, 1-based): chr8:144,086,020, G>C. VCF-style: chr8-144086020-G-C. GRCh37 (hg19) VCF-style: chr8-145140923-G-C.
Other names: short protein forms Q587H.
Identifiers: ClinVar variation 2001458 (VCV002001458.4), dbSNP rs1587595494, ClinGen allele CA372509127.

ClinVar aggregate classification (germline): Uncertain significance (1 of 4 stars; one submission).

Allele frequency attached by ClinVar (database versions not stated): gnomAD exomes below 0.00001.

Submission:

Labcorp Genetics (formerly Invitae), Labcorp
Classification: Uncertain significance. Last evaluated: 2022-05-31. Review status: criteria provided, single submitter. Criteria: Invitae Variant Classification Sherloc (09022015). Collection method: clinical testing. Allele origin: germline.
Comment: This variant is not present in population databases (gnomAD no frequency). In summary, the available evidence is currently insufficient to determine the role of this variant in disease. Therefore, it has been classified as a Variant of Uncertain Significance. Algorithms developed to predict the effect of missense changes on protein structure and function are either unavailable or do not agree on the potential impact of this missense change (SIFT: "Tolerated"; PolyPhen-2: "Probably Damaging"; Align-GVGD: "Class C0"). This variant has not been reported in the literature in individuals affected with GPAA1-related conditions. This sequence change replaces glutamine, which is neutral and polar, with histidine, which is basic and polar, at codon 587 of the GPAA1 protein (p.Gln587His).